The following is an entry in ClinVar:

ClinVar aggregate classification (germline): Uncertain significance (1 of 4 stars; one submission).

Conditions:
Neuropathy, hereditary sensory and autonomic, type 2A (HSAN2A). Also called: ACROOSTEOLYSIS, GIACCAI TYPE; ACROOSTEOLYSIS, NEUROGENIC; WNK1-Related HSAN2 (HSAN2A); MORVAN DISEASE; NEUROPATHY, CONGENITAL SENSORY; NEUROPATHY, HEREDITARY SENSORY RADICULAR, AUTOSOMAL RECESSIVE. Identifiers: Orphanet 970, MedGen C2752089, MONDO:0024309, OMIM 201300.
Generalized epilepsy with febrile seizures plus, type 7 (GEFSP7). Also called: GEFS+, TYPE 7. Identifiers: Orphanet 36387, MedGen C2751778, MONDO:0013470, OMIM 613863.

gnomAD v4.1: 2 of 1,614,072 alleles (0.00012%); highest among the groups gnomAD compares: Non-Finnish European, 0.00017%; no homozygotes.

Submission:

Labcorp Genetics (formerly Invitae), Labcorp
Classification: Uncertain significance for Neuropathy, hereditary sensory and autonomic, type 2A; Generalized epilepsy with febrile seizures plus, type 7. Last evaluated: 2025-07-27. Review status: criteria provided, single submitter. Criteria: Invitae Variant Classification Sherloc (09022015). Collection method: clinical testing. Allele origin: germline.
Comment: This sequence change replaces valine, which is neutral and non-polar, with isoleucine, which is neutral and non-polar, at codon 872 of the SCN9A protein (p.Val872Ile). This variant is not present in population databases (gnomAD no frequency). This variant has not been reported in the literature in individuals affected with SCN9A-related conditions. ClinVar contains an entry for this variant (Variation ID: 1525397). Invitae Evidence Modeling of protein sequence and biophysical properties (such as structural, functional, and spatial information, amino acid conservation, physicochemical variation, residue mobility, and thermodynamic stability) indicates that this missense variant is not expected to disrupt SCN9A protein function with a negative predictive value of 95%. In summary, the available evidence is currently insufficient to determine the role of this variant in disease. Therefore, it has been classified as a Variant of Uncertain Significance.

NM_001365536.1(SCN9A):c.2647G>A (p.Val883Ile)

Genes: SCN9A (sodium voltage-gated channel alpha subunit 9; minus strand), SCN1A-AS1 (SCN1A and SCN9A antisense RNA 1; plus strand). Cytogenetic location: 2q24.3.
Variant type: single nucleotide variant.
Coding change: c.2647G>A on transcript NM_001365536.1 (MANE Select); coding-DNA position 2647, G replaced by A.
Protein change: p.Val883Ile; replaces valine 883 with isoleucine.
Molecular consequence: missense variant. On other transcripts: non-coding transcript variant (1).
Genome position (GRCh38, 1-based): chr2:166,277,210, C>T on the plus strand (G>A on the coding strand, the complement: SCN9A is on the minus strand). VCF-style: chr2-166277210-C-T. GRCh37 (hg19) VCF-style: chr2-167133720-C-T.
Other names: c.2614G>A, p.Val872Ile (NM_002977.4); short protein forms V872I, V883I.
Identifiers: ClinVar variation 1525397 (VCV001525397.8), dbSNP rs369148683, ClinGen allele CA349077890.